The following is an entry in ClinVar:

ClinVar aggregate classification (germline): Uncertain significance (1 of 4 stars; one submission).

Submission:

GeneDx
Classification: Uncertain significance. Last evaluated: 2023-06-16. Review status: criteria provided, single submitter. Criteria: GeneDx Variant Classification Process June 2021. Collection method: clinical testing. Allele origin: germline. Affected: yes.
Comment: Not observed at significant frequency in large population cohorts (gnomAD); In silico analysis supports a deleterious effect on protein structure/function; Has not been previously published as pathogenic or benign to our knowledge

NM_005859.5(PURA):c.658_659inv (p.Glu220Ser)

Gene: PURA (purine rich element binding protein A; plus strand). Cytogenetic location: 5q31.3.
Variant type: Inversion.
Coding change: c.658_659inv on transcript NM_005859.5 (MANE Select).
Protein change: p.Glu220Ser; replaces glutamic acid 220 with serine.
Molecular consequence: missense variant.
Genome position: GRCh38 VCF-style: chr5-140114839-GA-TC. GRCh37 (hg19) VCF-style: chr5-139494424-GA-TC.
Other names: c.658_659delinsTC (NM_005859.4); short protein forms E220S.
Identifiers: ClinVar variation 3359902 (VCV003359902.1).